The following is an entry in ClinVar:

ClinVar aggregate classification (germline): Uncertain significance (1 of 4 stars; one submission).

Conditions:
Hereditary sensory neuropathy-deafness-dementia syndrome. Also called: NEUROPATHY, HEREDITARY SENSORY, WITH HEARING LOSS AND DEMENTIA; Hereditary Sensory and Autonomic Neuropathy Type 1E (HSAN1E); Hereditary sensory neuropathy type IE; HSN IE. Identifiers: Orphanet 456318, MedGen C3279885, MONDO:0013584, OMIM 614116.

Submission:

Labcorp Genetics (formerly Invitae), Labcorp
Classification: Uncertain significance for Hereditary sensory neuropathy-deafness-dementia syndrome. Last evaluated: 2022-07-05. Review status: criteria provided, single submitter. Criteria: Invitae Variant Classification Sherloc (09022015). Collection method: clinical testing. Allele origin: germline.
Comment: This sequence change replaces methionine, which is neutral and non-polar, with leucine, which is neutral and non-polar, at codon 1093 of the DNMT1 protein (p.Met1093Leu). This variant is not present in population databases (gnomAD no frequency). This variant has not been reported in the literature in individuals affected with DNMT1-related conditions. ClinVar contains an entry for this variant (Variation ID: 949007). Algorithms developed to predict the effect of missense changes on protein structure and function (SIFT, PolyPhen-2, Align-GVGD) all suggest that this variant is likely to be tolerated. In summary, the available evidence is currently insufficient to determine the role of this variant in disease. Therefore, it has been classified as a Variant of Uncertain Significance.

NM_001130823.3(DNMT1):c.3277A>T (p.Met1093Leu)

Gene: DNMT1 (DNA methyltransferase 1; minus strand). Cytogenetic location: 19p13.2.
Variant type: single nucleotide variant.
Coding change: c.3277A>T on transcript NM_001130823.3 (MANE Select); coding-DNA position 3277, A replaced by T.
Protein change: p.Met1093Leu; replaces methionine 1093 with leucine.
Molecular consequence: missense variant.
Genome position (GRCh38, 1-based): chr19:10,142,060, T>A on the plus strand (A>T on the coding strand, the complement: DNMT1 is on the minus strand). VCF-style: chr19-10142060-T-A. GRCh37 (hg19) VCF-style: chr19-10252736-T-A.
Other names: c.3229A>T, p.Met1077Leu (NM_001318730.2, NM_001379.4); c.2914A>T, p.Met972Leu (NM_001318731.2); short protein forms M972L, M1077L, M1093L.
Identifiers: ClinVar variation 949007 (VCV000949007.9), dbSNP rs768431034, ClinGen allele CA403974785.